The following is an entry in ClinVar:

ClinVar aggregate classification (germline): Pathogenic (1 of 4 stars; one submission).

Conditions:
Sulfite oxidase deficiency. Also called: Isolated sulfite oxidase deficiency. Identifiers: Orphanet 833, Orphanet 99731, MedGen C0268624, MONDO:0010089, OMIM 272300, HP:0003643.

Allele frequency attached by ClinVar (database versions not stated): gnomAD exomes below 0.00001.

Submission:

Labcorp Genetics (formerly Invitae), Labcorp
Classification: Pathogenic for Sulfite oxidase deficiency. Last evaluated: 2023-11-09. Review status: criteria provided, single submitter. Criteria: Invitae Variant Classification Sherloc (09022015). Collection method: clinical testing. Allele origin: germline.
Comment: This sequence change creates a premature translational stop signal (p.Tyr350*) in the SUOX gene. While this is not anticipated to result in nonsense mediated decay, it is expected to disrupt the last 196 amino acid(s) of the SUOX protein. This variant is not present in population databases (gnomAD no frequency). This variant has not been reported in the literature in individuals affected with SUOX-related conditions. This variant disrupts a region of the SUOX protein in which other variant(s) (p.Arg529*) have been determined to be pathogenic (PMID: 17940249, 28980090). This suggests that this is a clinically significant region of the protein, and that variants that disrupt it are likely to be disease-causing. For these reasons, this variant has been classified as Pathogenic.

Literature cited by the submitters: PubMed 17940249; PubMed 28980090.

NM_001032386.2(SUOX):c.1049_1052del (p.Ala349_Tyr350insTer)

Gene: SUOX (sulfite oxidase; plus strand). Cytogenetic location: 12q13.2.
Variant type: Deletion.
Coding change: c.1049_1052del on transcript NM_001032386.2 (MANE Select); coding-DNA positions 1049 to 1052, 4 bases deleted (ATGA; older notation c.1049_1052delATGA).
Protein change: p.Ala349_Tyr350insTer.
Molecular consequence: nonsense.
Genome position (GRCh38, 1-based): chr12:56,004,438-56,004,441, ATGA deleted. VCF-style (leftmost placement, unchanged base first): chr12-56004437-TATGA-T. GRCh37 (hg19) VCF-style: chr12-56398221-TATGA-T.
Other names: c.1049_1052del, p.Ala349_Tyr350insTer (NM_000456.3, NM_001032387.2).
Identifiers: ClinVar variation 2783390 (VCV002783390.3), dbSNP rs2540577060, ClinGen allele CA2575186108.